The following is an entry in ClinVar:

ClinVar aggregate classification (germline): Uncertain significance (1 of 4 stars; one submission).

gnomAD v4.1: 1 of 1,580,594 alleles (0.000063%); no homozygotes.

Submission:

Labcorp Genetics (formerly Invitae), Labcorp
Classification: Uncertain significance. Last evaluated: 2021-03-20. Review status: criteria provided, single submitter. Criteria: Invitae Variant Classification Sherloc (09022015). Collection method: clinical testing. Allele origin: germline.
Comment: This variant has not been reported in the literature in individuals with GFM1-related conditions. This variant is not present in population databases (ExAC no frequency). This sequence change replaces glycine with aspartic acid at codon 209 of the GFM1 protein (p.Gly209Asp). The glycine residue is moderately conserved and there is a moderate physicochemical difference between glycine and aspartic acid. Advanced modeling of protein sequence and biophysical properties (such as structural, functional, and spatial information, amino acid conservation, physicochemical variation, residue mobility, and thermodynamic stability) performed at Invitae indicates that this missense variant is not expected to disrupt GFM1 protein function. In summary, the available evidence is currently insufficient to determine the role of this variant in disease. Therefore, it has been classified as a Variant of Uncertain Significance.

NM_024996.7(GFM1):c.626G>A (p.Gly209Asp)

Gene: GFM1 (G elongation factor mitochondrial 1; plus strand). Cytogenetic location: 3q25.32.
Variant type: single nucleotide variant.
Coding change: c.626G>A on transcript NM_024996.7 (MANE Select); coding-DNA position 626, G replaced by A.
Protein change: p.Gly209Asp; replaces glycine 209 with aspartic acid.
Molecular consequence: missense variant. On other transcripts: non-coding transcript variant (2), intron variant (3).
Genome position (GRCh38, 1-based): chr3:158,649,094, G>A. VCF-style: chr3-158649094-G-A. GRCh37 (hg19) VCF-style: chr3-158366883-G-A.
Other names: c.626G>A, p.Gly209Asp (NM_001308164.2, NM_001308166.2, NM_001374355.1); c.401G>A, p.Gly134Asp (NM_001374357.1); c.59G>A, p.Gly20Asp (NM_001374359.1, NM_001374360.1); c.572+2147G>A (NM_001374356.1); c.6-3002G>A (NM_001374361.1); c.235-3006G>A (NM_001374358.1); short protein forms G209D, G20D, G134D.
Identifiers: ClinVar variation 1504628 (VCV001504628.8), dbSNP rs2108009521, ClinGen allele CA355176299.
Genomic context (GRCh38, chr3:158,649,094, plus strand): 5'-TTTTCAGGTCTAAACTAAATCATAATGCAGCGTTTATGCAGATACCCATGGGTTTGGAGG[G>A]TAATTTTAAAGGTATTGTAGATCTTATTGAGGAACGAGCCATCTATTTTGATGGAGACTT-3'
Protein context (NP_079272.4, residues 199-219): AFMQIPMGLE[Gly209Asp]NFKGIVDLIE